The following is an entry in ClinVar:

NM_021926.4(ALX4):c.347C>A (p.Pro116Gln)

Gene: ALX4 (ALX homeobox 4; minus strand). Cytogenetic location: 11p11.2.
Variant type: single nucleotide variant.
Coding change: c.347C>A on transcript NM_021926.4 (MANE Select); coding-DNA position 347, C replaced by A.
Protein change: p.Pro116Gln; replaces proline 116 with glutamine.
Molecular consequence: missense variant.
Genome position (GRCh38, 1-based): chr11:44,309,716, G>T on the plus strand (C>A on the coding strand, the complement: ALX4 is on the minus strand). VCF-style: chr11-44309716-G-T. GRCh37 (hg19) VCF-style: chr11-44331266-G-T.
Other names: short protein forms P116Q.
Identifiers: ClinVar variation 5041102 (VCV005041102.1).

ClinVar aggregate classification (germline): Uncertain significance (1 of 4 stars; one submission).

gnomAD v4.1: 49 of 1,571,358 alleles (0.0031%); highest among the groups gnomAD compares: South Asian, 0.013%; no homozygotes.

Submission:

CeGaT Center for Human Genetics Tuebingen
Classification: Uncertain significance. Last evaluated: 2026-09-01. Review status: criteria provided, single submitter. Criteria: CeGaT Center For Human Genetics Tuebingen Variant Classification Criteria Version 2. Collection method: clinical testing. Allele origin: germline. Affected: yes. Observed: 1 variant allele.
Comment: ALX4: PM2